The following is an entry in ClinVar:

ClinVar aggregate classification (germline): Pathogenic. Review status: criteria provided, single submitter (1 of 4 stars). 2 submissions from 2 submitters: Pathogenic (1). 1 of the submissions does not count toward it. Last evaluated 2023-11-07.

Conditions:
Hereditary cancer-predisposing syndrome. Also called: Neoplastic Syndromes, Hereditary; Hereditary neoplastic syndrome; Hereditary Cancer Syndrome; Tumor predisposition. Identifiers: Orphanet 140162, MedGen C0027672, MeSH D009386, MONDO:0015356.
Gastric cancer. Also called: Malignant tumor of stomach; Stomach cancer. Identifiers: MedGen C0024623, MeSH D013274, MONDO:0001056, OMIM 613659, HP:0012126.

Submissions (2):

Color Diagnostics, LLC DBA Color Health
Classification: Pathogenic for Hereditary cancer-predisposing syndrome. Last evaluated: 2023-11-07. Review status: criteria provided, single submitter. Criteria: ACMG Guidelines, 2015. Collection method: clinical testing. Allele origin: germline.
Comment: This variant deletes 4 nucleotides in exon 11 of the BRCA2 gene, creating a frameshift and premature translation stop signal. This variant is expected to result in an absent or non-functional protein product. This variant has been reported in an individual with a personal or family history of BRCA2-related cancer (PMID: 26187060). This variant has not been identified in the general population by the Genome Aggregation Database (gnomAD). Loss of BRCA2 function is a known mechanism of disease. Based on the available evidence, this variant is classified as Pathogenic.

Laboratory for Genotyping Development, RIKEN
Classification: Pathogenic for Gastric cancer. Last evaluated: 2021-07-01. Review status: no assertion criteria provided. Collection method: research. Allele origin: germline. Not counted in ClinVar's aggregate classification.

Literature cited by the submitters: PubMed 26187060 (cited by Color Diagnostics, LLC DBA Color Health); PubMed 36988593 (cited by Laboratory for Genotyping Development, RIKEN).

NM_000059.4(BRCA2):c.6620_6623del (p.Thr2207fs)

Gene: BRCA2 (BRCA2 DNA repair associated; plus strand). Cytogenetic location: 13q13.1.
Variant type: Deletion.
Coding change: c.6620_6623del on transcript NM_000059.4 (MANE Select); coding-DNA positions 6620 to 6623, 4 bases deleted (CAAA; older notation c.6620_6623delCAAA).
Protein change: p.Thr2207fs; shifts the reading frame from threonine 2207.
Molecular consequence: frameshift variant.
Genome position (GRCh38, 1-based): chr13:32,340,975-32,340,978, CAAA deleted; deleting any 4 consecutive bases within chr13:32,340,972-32,340,978 gives the same sequence; the c. name uses the placement nearest the transcript's 3' end. VCF-style (leftmost placement, unchanged base first): chr13-32340971-AAAAC-A. GRCh37 (hg19) VCF-style: chr13-32915108-AAAAC-A.
Other names: short protein forms T2207fs.
Identifiers: ClinVar variation 1801607 (VCV001801607.3), dbSNP rs2548533725, ClinGen allele CA2499222245.